The following is an entry in ClinVar:

ClinVar aggregate classification (germline): Uncertain significance. Review status: criteria provided, single submitter (1 of 4 stars). 2 submissions from 2 submitters: Uncertain significance (1). 1 of the submissions does not count toward it. Last evaluated 2023-12-22.

Conditions:
TTC14-related disorder. Also called: TTC14-related condition.

Allele frequency attached by ClinVar (database versions not stated): 1000 Genomes Project 0.00020; 1000 Genomes Project 30x 0.00031; gnomAD exomes 0.00039; ExAC 0.00047; ESP Exome Variant Server 0.00062; gnomAD 0.00086; TOPMed 0.00127.
gnomAD v4.1: 750 of 1,613,322 alleles (0.046%); highest among the groups gnomAD compares: Admixed American, 0.28%; 2 homozygotes.

Submissions (2):

Ambry Genetics
Classification: Uncertain significance. Last evaluated: 2023-12-22. Review status: criteria provided, single submitter. Criteria: Ambry Variant Classification Scheme 2023. Collection method: clinical testing. Allele origin: germline.

PreventionGenetics, part of Exact Sciences
Classification: Likely benign for TTC14-related condition. Last evaluated: 2023-03-23. Review status: no assertion criteria provided. Collection method: clinical testing. Allele origin: germline. Not counted in ClinVar's aggregate classification.
Comment: This variant is classified as likely benign based on ACMG/AMP sequence variant interpretation guidelines (Richards et al. 2015 PMID: 25741868, with internal and published modifications).

NM_133462.4(TTC14):c.2177T>C (p.Val726Ala)

Gene: TTC14 (tetratricopeptide repeat domain 14; plus strand). Cytogenetic location: 3q26.33.
Variant type: single nucleotide variant.
Coding change: c.2177T>C on transcript NM_133462.4 (MANE Select); coding-DNA position 2177, T replaced by C.
Protein change: p.Val726Ala; replaces valine 726 with alanine.
Molecular consequence: missense variant. On other transcripts: 3 prime UTR variant (1), intron variant (1).
Genome position (GRCh38, 1-based): chr3:180,610,406, T>C. VCF-style: chr3-180610406-T-C. GRCh37 (hg19) VCF-style: chr3-180328194-T-C.
Other names: c.*2611T>C (NM_001042601.3); c.1774+403T>C (NM_001288582.2); short protein forms V726A.
Identifiers: ClinVar variation 3051068 (VCV003051068.3), dbSNP rs143783615, ClinGen allele CA2715536.